The following is an entry in ClinVar:

ClinVar aggregate classification (germline): Uncertain significance (1 of 4 stars; one submission).

Conditions:
Hereditary sensory neuropathy-deafness-dementia syndrome. Also called: NEUROPATHY, HEREDITARY SENSORY, WITH HEARING LOSS AND DEMENTIA; Hereditary sensory neuropathy type IE; HSN IE; Hereditary Sensory and Autonomic Neuropathy Type 1E (HSAN1E). Identifiers: Orphanet 456318, MedGen C3279885, MONDO:0013584, OMIM 614116.

Submission:

Labcorp Genetics (formerly Invitae), Labcorp
Classification: Uncertain significance for Hereditary sensory neuropathy-deafness-dementia syndrome. Last evaluated: 2022-07-26. Review status: criteria provided, single submitter. Criteria: Invitae Variant Classification Sherloc (09022015). Collection method: clinical testing. Allele origin: germline.
Comment: In summary, the available evidence is currently insufficient to determine the role of this variant in disease. Therefore, it has been classified as a Variant of Uncertain Significance. Algorithms developed to predict the effect of missense changes on protein structure and function (SIFT, PolyPhen-2, Align-GVGD) all suggest that this variant is likely to be tolerated. ClinVar contains an entry for this variant (Variation ID: 1052470). This variant has not been reported in the literature in individuals affected with DNMT1-related conditions. This variant is not present in population databases (gnomAD no frequency). This sequence change replaces glutamic acid, which is acidic and polar, with glycine, which is neutral and non-polar, at codon 248 of the DNMT1 protein (p.Glu248Gly).

NM_001130823.3(DNMT1):c.743A>G (p.Glu248Gly)

Gene: DNMT1 (DNA methyltransferase 1; minus strand). Cytogenetic location: 19p13.2.
Variant type: single nucleotide variant.
Coding change: c.743A>G on transcript NM_001130823.3 (MANE Select); coding-DNA position 743, A replaced by G.
Protein change: p.Glu248Gly; replaces glutamic acid 248 with glycine.
Molecular consequence: missense variant.
Genome position (GRCh38, 1-based): chr19:10,173,115, T>C on the plus strand (A>G on the coding strand, the complement: DNMT1 is on the minus strand). VCF-style: chr19-10173115-T-C. GRCh37 (hg19) VCF-style: chr19-10283791-T-C.
Other names: c.695A>G, p.Glu232Gly (NM_001318730.2, NM_001379.4); c.380A>G, p.Glu127Gly (NM_001318731.2); short protein forms E127G, E232G, E248G.
Identifiers: ClinVar variation 1052470 (VCV001052470.9), dbSNP rs2145359225, ClinGen allele CA403943453.
Genomic context (GRCh38, chr19:10,173,115, plus strand): 5'-GAGAATTAACAAACTTAGAGGTGATAGAGCTTTACTTTTTCATCTCTTTCTTCTTCCTTT[T>C]CAGTGCGCGTTCCTGATTTTGCTCTTTCAGGTTCTTCTGCAGGAAGCGGTCTAGCAACTC-3'
Protein context (NP_001124295.1, residues 238-258): PERAKSGTRT[Glu248Gly]KEEERDEKEE